The following is an entry in ClinVar:

NM_005732.4(RAD50):c.3205A>G (p.Arg1069Gly)

Gene: RAD50 (RAD50 double strand break repair protein; plus strand). Cytogenetic location: 5q31.1.
Variant type: single nucleotide variant.
Coding change: c.3205A>G on transcript NM_005732.4 (MANE Select); coding-DNA position 3205, A replaced by G.
Protein change: p.Arg1069Gly; replaces arginine 1069 with glycine.
Molecular consequence: missense variant.
Genome position (GRCh38, 1-based): chr5:132,618,110, A>G. VCF-style: chr5-132618110-A-G. GRCh37 (hg19) VCF-style: chr5-131953802-A-G.
Other names: short protein forms R1069G.
Identifiers: ClinVar variation 823185 (VCV000823185.5), dbSNP rs1020925262, ClinGen allele CA127265571.

ClinVar aggregate classification (germline): Uncertain significance. Review status: criteria provided, multiple submitters, no conflicts (2 of 4 stars). 2 submissions from 2 submitters: Uncertain significance (2). Last evaluated 2023-02-03.

Conditions:
Hereditary cancer-predisposing syndrome. Also called: Tumor predisposition; Hereditary Cancer Syndrome; Neoplastic Syndromes, Hereditary; Hereditary neoplastic syndrome. Identifiers: Orphanet 140162, MedGen C0027672, MeSH D009386, MONDO:0015356.
Nijmegen breakage syndrome-like disorder (NBSLD). Also called: MICROCEPHALY AND SPONTANEOUS CHROMOSOME INSTABILITY WITHOUT IMMUNODEFICIENCY; NBS-LIKE DISORDER; RAD50 DEFICIENCY. Identifiers: Orphanet 240760, MedGen C2751318, MONDO:0013118, OMIM 613078.

Submissions (2):

Laboratorio de Genetica e Diagnostico Molecular, Hospital Israelita Albert Einstein
Classification: Uncertain significance for Nijmegen breakage syndrome-like disorder. Last evaluated: 2023-02-03. Review status: criteria provided, single submitter. Criteria: ACMG Guidelines, 2015. Collection method: clinical testing. Allele origin: germline. Affected: yes. Observed: 1 variant allele.
Comment: ACMG classification criteria: PM2 moderated, BP4 supporting

Ambry Genetics
Classification: Uncertain significance for Hereditary cancer-predisposing syndrome. Last evaluated: 2017-12-19. Review status: criteria provided, single submitter. Criteria: Ambry Variant Classification Scheme 2023. Collection method: clinical testing. Allele origin: germline.
Comment: The p.R1069G variant (also known as c.3205A>G), located in coding exon 21 of the RAD50 gene, results from an A to G substitution at nucleotide position 3205. The arginine at codon 1069 is replaced by glycine, an amino acid with dissimilar properties. This amino acid position is well conserved in available vertebrate species. In addition, this alteration is predicted to be tolerated by in silico analysis. Since supporting evidence is limited at this time, the clinical significance of this alteration remains unclear.